The following is an entry in ClinVar:

NM_001036.6(RYR3):c.11864C>T (p.Thr3955Met)

Gene: RYR3 (ryanodine receptor 3; plus strand). Cytogenetic location: 15q14.
Variant type: single nucleotide variant.
Coding change: c.11864C>T on transcript NM_001036.6 (MANE Select); coding-DNA position 11864, C replaced by T.
Protein change: p.Thr3955Met; replaces threonine 3955 with methionine.
Molecular consequence: missense variant.
Genome position (GRCh38, 1-based): chr15:33,837,844, C>T. VCF-style: chr15-33837844-C-T. GRCh37 (hg19) VCF-style: chr15-34130045-C-T.
Other names: c.11849C>T, p.Thr3950Met (NM_001243996.4); short protein forms T3955M, T3950M.
Identifiers: ClinVar variation 572706 (VCV000572706.10), dbSNP rs369246005, ClinGen allele CA7461309.
Genomic context (GRCh38, chr15:33,837,844, plus strand): 5'-GTAAAGGAATTATCTCCAAAAAAGAATTCCAGAAGGCCATGGAAGGGCAAAAACAGTACA[C>T]GCAGTCAGAGATTGACTTTCTCCTGTCGTGTGCAGAAGCTGATGAGAATGACATGTTTAA-3'
Protein context (NP_001027.3, residues 3945-3965): QKAMEGQKQY[Thr3955Met]QSEIDFLLSC

ClinVar aggregate classification (germline): Uncertain significance (1 of 4 stars; one submission).

Conditions:
Epileptic encephalopathy. Identifiers: MedGen C0543888, HP:0200134.

Allele frequency attached by ClinVar (database versions not stated): gnomAD 0.00005; ExAC 0.00006; gnomAD exomes 0.00007; TOPMed 0.00008; ESP Exome Variant Server 0.00017.
gnomAD v4.1: 83 of 1,613,866 alleles (0.0051%); highest among the groups gnomAD compares: Admixed American, 0.022%; no homozygotes.

Submission:

Labcorp Genetics (formerly Invitae), Labcorp
Classification: Uncertain significance for Epileptic encephalopathy. Last evaluated: 2024-01-08. Review status: criteria provided, single submitter. Criteria: Invitae Variant Classification Sherloc (09022015). Collection method: clinical testing. Allele origin: germline.
Comment: This sequence change replaces threonine, which is neutral and polar, with methionine, which is neutral and non-polar, at codon 3955 of the RYR3 protein (p.Thr3955Met). This variant is present in population databases (rs369246005, gnomAD 0.02%). This variant has not been reported in the literature in individuals affected with RYR3-related conditions. ClinVar contains an entry for this variant (Variation ID: 572706). Advanced modeling of protein sequence and biophysical properties (such as structural, functional, and spatial information, amino acid conservation, physicochemical variation, residue mobility, and thermodynamic stability) performed at Invitae indicates that this missense variant is not expected to disrupt RYR3 protein function with a negative predictive value of 80%. In summary, the available evidence is currently insufficient to determine the role of this variant in disease. Therefore, it has been classified as a Variant of Uncertain Significance.